The following is an entry in ClinVar:

NM_173543.3(DZIP1L):c.710A>G (p.Glu237Gly)

Gene: DZIP1L (DAZ interacting zinc finger protein 1 like; minus strand). Cytogenetic location: 3q22.3.
Variant type: single nucleotide variant.
Coding change: c.710A>G on transcript NM_173543.3 (MANE Select); coding-DNA position 710, A replaced by G.
Protein change: p.Glu237Gly; replaces glutamic acid 237 with glycine.
Molecular consequence: missense variant.
Genome position (GRCh38, 1-based): chr3:138,092,543, T>C on the plus strand (A>G on the coding strand, the complement: DZIP1L is on the minus strand). VCF-style: chr3-138092543-T-C. GRCh37 (hg19) VCF-style: chr3-137811385-T-C.
Other names: c.710A>G, p.Glu237Gly (NM_001170538.1); c.710A>G (NM_173543.2); short protein forms E237G.
Identifiers: ClinVar variation 1572254 (VCV001572254.11), dbSNP rs148698535, ClinGen allele CA2635171.

ClinVar aggregate classification (germline): Conflicting classifications of pathogenicity. Review status: criteria provided, conflicting classifications (1 of 4 stars). 3 submissions from 3 submitters: Uncertain significance (1); Likely benign (1). 1 of the submissions does not count toward it. Last evaluated 2025-12-01.

Conditions:
DZIP1L-related disorder. Also called: DZIP1L-related condition.
Inborn genetic diseases. Identifiers: MedGen C0950123, MeSH D030342.

Allele frequency attached by ClinVar (database versions not stated): gnomAD exomes 0.00022; ExAC 0.00026; ESP Exome Variant Server 0.00031; gnomAD 0.00068; TOPMed 0.00076; 1000 Genomes Project 0.00100; 1000 Genomes Project 30x 0.00109.
gnomAD v4.1: 194 of 1,565,098 alleles (0.012%); highest among the groups gnomAD compares: African/African-American, 0.25%; no homozygotes.

Submissions (3):

Labcorp Genetics (formerly Invitae), Labcorp
Classification: Likely benign. Last evaluated: 2025-12-01. Review status: criteria provided, single submitter. Criteria: Invitae Variant Classification Sherloc (09022015). Collection method: clinical testing. Allele origin: germline.

Ambry Genetics
Classification: Uncertain significance for Inborn genetic diseases. Last evaluated: 2021-08-30. Review status: criteria provided, single submitter. Criteria: Ambry Variant Classification Scheme 2023. Collection method: clinical testing. Allele origin: germline.

PreventionGenetics, part of Exact Sciences
Classification: Likely benign for DZIP1L-related condition. Last evaluated: 2023-07-30. Review status: no assertion criteria provided. Collection method: clinical testing. Allele origin: germline. Not counted in ClinVar's aggregate classification.
Comment: This variant is classified as likely benign based on ACMG/AMP sequence variant interpretation guidelines (Richards et al. 2015 PMID: 25741868, with internal and published modifications).